The following is an entry in ClinVar:

NM_016604.4(KDM3B):c.4893+10T>G

Gene: KDM3B (lysine demethylase 3B; plus strand). Cytogenetic location: 5q31.2.
Variant type: single nucleotide variant.
Coding change: c.4893+10T>G on transcript NM_016604.4 (MANE Select); 10 bases into the intron after coding-DNA position 4893, T replaced by G.
Molecular consequence: intron variant.
Genome position (GRCh38, 1-based): chr5:138,429,975, T>G. VCF-style: chr5-138429975-T-G. GRCh37 (hg19) VCF-style: chr5-137765664-T-G.
Identifiers: ClinVar variation 4989136 (VCV004989136.1).

ClinVar aggregate classification (germline): Likely benign (1 of 4 stars; one submission).

Conditions:
KDM3B-related disorder. Also called: KDM3B-related condition.

gnomAD v4.1: 630 of 1,613,720 alleles (0.039%); highest among the groups gnomAD compares: Non-Finnish European, 0.048%; no homozygotes.

Submission:

PreventionGenetics, part of Exact Sciences
Classification: Likely benign for KDM3B-related condition. Last evaluated: 2026-03-09. Review status: criteria provided, single submitter. Criteria: ACMG Guidelines, 2015. Collection method: clinical testing. Allele origin: germline.
Comment: This variant is classified as likely benign based on ACMG/AMP sequence variant interpretation guidelines (Richards et al. 2015 PMID: 25741868, with internal and published modifications).